The following is an entry in ClinVar:

ClinVar aggregate classification (germline): Uncertain significance (1 of 4 stars; one submission).

Conditions:
Febrile seizures, familial, 8 (FEB8). Also called: CONVULSIONS, FAMILIAL FEBRILE, 8. Identifiers: Orphanet 36387, MedGen C1969810, MONDO:0011891, OMIM 607681.
EPILEPSY, CHILDHOOD ABSENCE, SUSCEPTIBILITY TO, 2 (ECA2). Identifiers: Orphanet 64280, MedGen C1843244, OMIM 607681.

Submission:

Labcorp Genetics (formerly Invitae), Labcorp
Classification: Uncertain significance for Febrile seizures, familial, 8; EPILEPSY, CHILDHOOD ABSENCE, SUSCEPTIBILITY TO, 2. Last evaluated: 2024-03-26. Review status: criteria provided, single submitter. Criteria: Invitae Variant Classification Sherloc (09022015). Collection method: clinical testing. Allele origin: germline.
Comment: This sequence change replaces leucine, which is neutral and non-polar, with serine, which is neutral and polar, at codon 356 of the GABRG2 protein (p.Leu356Ser). This variant is not present in population databases (gnomAD no frequency). This variant has not been reported in the literature in individuals affected with GABRG2-related conditions. Advanced modeling of protein sequence and biophysical properties (such as structural, functional, and spatial information, amino acid conservation, physicochemical variation, residue mobility, and thermodynamic stability) performed at Invitae indicates that this missense variant is expected to disrupt GABRG2 protein function with a positive predictive value of 95%. In summary, the available evidence is currently insufficient to determine the role of this variant in disease. Therefore, it has been classified as a Variant of Uncertain Significance.

NM_198904.4(GABRG2):c.1067T>C (p.Leu356Ser)

Gene: GABRG2 (gamma-aminobutyric acid type A receptor subunit gamma2; plus strand). Cytogenetic location: 5q34.
Variant type: single nucleotide variant.
Coding change: c.1067T>C on transcript NM_198904.4 (MANE Select); coding-DNA position 1067, T replaced by C.
Protein change: p.Leu356Ser; replaces leucine 356 with serine.
Molecular consequence: missense variant. On other transcripts: intron variant (1).
Genome position (GRCh38, 1-based): chr5:162,149,252, T>C. VCF-style: chr5-162149252-T-C. GRCh37 (hg19) VCF-style: chr5-161576258-T-C.
Other names: c.1067T>C, p.Leu356Ser (NM_000816.3); c.1058T>C, p.Leu353Ser (NM_001375339.1); c.1064T>C, p.Leu355Ser (NM_001375341.1, NM_001375342.1); c.1187T>C, p.Leu396Ser (NM_001375343.1, NM_198903.2); c.1106T>C, p.Leu369Ser (NM_001375344.1); c.1001T>C, p.Leu334Ser (NM_001375345.1, NM_001375346.1); c.980T>C, p.Leu327Ser (NM_001375347.1); c.647T>C, p.Leu216Ser (NM_001375348.1, NM_001375350.1); and 2 more; short protein forms L216S, L261S, L327S, L334S, L353S, L355S, L356S, L369S.
Identifiers: ClinVar variation 3753885 (VCV003753885.2).